The following is an entry in ClinVar:

NM_004415.4(DSP):c.4514C>A (p.Ala1505Glu)

Gene: DSP (desmoplakin; plus strand). Cytogenetic location: 6p24.3.
Variant type: single nucleotide variant.
Coding change: c.4514C>A on transcript NM_004415.4 (MANE Select); coding-DNA position 4514, C replaced by A.
Protein change: p.Ala1505Glu; replaces alanine 1505 with glutamic acid.
Molecular consequence: missense variant. On other transcripts: intron variant (2).
Genome position (GRCh38, 1-based): chr6:7,580,704, C>A. VCF-style: chr6-7580704-C-A. GRCh37 (hg19) VCF-style: chr6-7580937-C-A.
Other names: c.4050+464C>A (NM_001319034.2); c.3582+932C>A (NM_001008844.3); short protein forms A1505E.
Identifiers: ClinVar variation 2146110 (VCV002146110.4), dbSNP rs375919492, ClinGen allele CA362686481.

ClinVar aggregate classification (germline): Uncertain significance (1 of 4 stars; one submission).

Conditions:
Arrhythmogenic right ventricular dysplasia 8 (ARVD8). Also called: ARRHYTHMOGENIC RIGHT VENTRICULAR DYSPLASIA, FAMILIAL, 8; ARRHYTHMOGENIC RIGHT VENTRICULAR CARDIOMYOPATHY 8; Arrhythmogenic Right Ventricular Dysplasia/Cardiomyopathy 8. Identifiers: MedGen C1843896, MONDO:0011831, OMIM 607450.
Arrhythmogenic cardiomyopathy with wooly hair and keratoderma. Also called: Arrhythmogenic cardiomyopathy with woolly hair and keratoderma; PALMOPLANTAR KERATODERMA WITH LEFT VENTRICULAR CARDIOMYOPATHY AND WOOLLY HAIR; Dilated cardiomyopathy with woolly hair and keratoderma; Carvajal syndrome. Identifiers: Orphanet 65282, MedGen C1854063, MONDO:0011581, OMIM 605676.

gnomAD v4.1: 1 of 1,613,946 alleles (0.000062%); highest among the groups gnomAD compares: Non-Finnish European, 0.000085%; no homozygotes.

Submission:

Labcorp Genetics (formerly Invitae), Labcorp
Classification: Uncertain significance for Arrhythmogenic cardiomyopathy with wooly hair and keratoderma; Arrhythmogenic right ventricular dysplasia 8. Last evaluated: 2022-10-25. Review status: criteria provided, single submitter. Criteria: Invitae Variant Classification Sherloc (09022015). Collection method: clinical testing. Allele origin: germline.
Comment: This sequence change replaces alanine, which is neutral and non-polar, with glutamic acid, which is acidic and polar, at codon 1505 of the DSP protein (p.Ala1505Glu). This variant is not present in population databases (gnomAD no frequency). This variant has not been reported in the literature in individuals affected with DSP-related conditions. Algorithms developed to predict the effect of missense changes on protein structure and function (SIFT, PolyPhen-2, Align-GVGD) all suggest that this variant is likely to be tolerated. In summary, the available evidence is currently insufficient to determine the role of this variant in disease. Therefore, it has been classified as a Variant of Uncertain Significance.